The following is an entry in ClinVar:

NM_000179.3(MSH6):c.170_182del (p.Pro57fs)

Gene: MSH6 (mutS homolog 6; plus strand). Cytogenetic location: 2p16.3.
Variant type: Deletion.
Coding change: c.170_182del on transcript NM_000179.3 (MANE Select); coding-DNA positions 170 to 182, 13 bases deleted (CCAGGCCCTTGGC).
Protein change: p.Pro57fs; shifts the reading frame from proline 57.
Molecular consequence: frameshift variant. On other transcripts: 5 prime UTR variant (1).
Genome position (GRCh38, 1-based): chr2:47,783,403-47,783,415, CCAGGCCCTTGGC deleted; deleting any 13 consecutive bases within chr2:47,783,400-47,783,415 gives the same sequence; the c. name uses the placement nearest the transcript's 3' end. VCF-style (leftmost placement, unchanged base first): chr2-47783399-GGGCCCAGGCCCTT-G. GRCh37 (hg19) VCF-style: chr2-48010538-GGGCCCAGGCCCTT-G.
Other names: c.170_182del, p.Pro57fs (NM_001281492.2); c.-567_-555del (NM_001281493.2); c.170_182del13 (NM_000179.2); short protein forms P57fs.
Identifiers: ClinVar variation 229952 (VCV000229952.9), dbSNP rs876658296, ClinGen allele CA10578026.
Genomic context (GRCh38, chr2:47,783,399, plus strand): 5'-GCTGCCCCCGGGGCCTCTCCTTCCCCAGGCGGGGATGCGGCCTGGAGCGAGGCTGGGCCT[GGGCCCAGGCCCTT>G]GGCGCGCTCCGCGTCACCGCCCAAGGCGAAGAACCTCAACGGAGGGCTGCGGAGATCGGT-3'

ClinVar aggregate classification (germline): Pathogenic. Review status: criteria provided, multiple submitters, no conflicts (2 of 4 stars). 3 submissions from 3 submitters: Pathogenic (3). Last evaluated 2026-01-05.

Conditions:
Hereditary nonpolyposis colorectal neoplasms. Identifiers: MedGen C0009405, MeSH D003123.
Hereditary cancer-predisposing syndrome. Also called: Hereditary neoplastic syndrome; Hereditary Cancer Syndrome; Neoplastic Syndromes, Hereditary; Tumor predisposition. Identifiers: Orphanet 140162, MedGen C0027672, MeSH D009386, MONDO:0015356.
Lynch syndrome 5 (LYNCH5). Also called: Colorectal cancer, hereditary nonpolyposis, type 5; Hereditary non-polyposis colorectal cancer, type 5. Identifiers: Orphanet 144, MedGen C1833477, MONDO:0013710, OMIM 614350. Disease mechanism: loss of function.

Submissions (3):

Labcorp Genetics (formerly Invitae), Labcorp
Classification: Pathogenic for Hereditary nonpolyposis colorectal neoplasms. Last evaluated: 2026-01-05. Review status: criteria provided, single submitter. Criteria: Invitae Variant Classification Sherloc (09022015). Collection method: clinical testing. Allele origin: germline.
Comment: This sequence change creates a premature translational stop signal (p.Pro57Argfs*20) in the MSH6 gene. It is expected to result in an absent or disrupted protein product. Loss-of-function variants in MSH6 are known to be pathogenic (PMID: 18269114, 24362816). This variant is not present in population databases (gnomAD no frequency). This premature translational stop signal has been observed in individual(s) with a personal or family history of Lynch syndrome (PMID: 28514183). ClinVar contains an entry for this variant (Variation ID: 229952). For these reasons, this variant has been classified as Pathogenic.

Myriad Genetics, Inc.
Classification: Pathogenic for Lynch syndrome 5. Last evaluated: 2023-08-09. Review status: criteria provided, single submitter. Criteria: Myriad Autosomal Dominant, Autosomal Recessive and X-Linked Classification Criteria (2023). Collection method: clinical testing. Allele origin: unknown.
Comment: This variant is considered pathogenic. This variant creates a frameshift predicted to result in premature protein truncation.

Ambry Genetics
Classification: Pathogenic for Hereditary cancer-predisposing syndrome. Last evaluated: 2020-02-18. Review status: criteria provided, single submitter. Criteria: Ambry Variant Classification Scheme 2023. Collection method: clinical testing. Allele origin: germline.
Comment: The c.170_182del13 pathogenic mutation, located in coding exon 1 of the MSH6 gene, results from a deletion of 13 nucleotides at nucleotide positions 170 to 182, causing a translational frameshift with a predicted alternate stop codon (p.P57Rfs*20). This alteration is expected to result in loss of function by premature protein truncation or nonsense-mediated mRNA decay. As such, this alteration is interpreted as a disease-causing mutation.

Literature cited by the submitters: PubMed 18269114 (cited by Labcorp Genetics (formerly Invitae), Labcorp); PubMed 24362816 (cited by Labcorp Genetics (formerly Invitae), Labcorp); PubMed 28514183 (cited by Labcorp Genetics (formerly Invitae), Labcorp).